The following is an entry in ClinVar:

ClinVar aggregate classification (germline): Uncertain significance. Review status: criteria provided, multiple submitters, no conflicts (2 of 4 stars). 5 submissions from 5 submitters: Uncertain significance (5). Last evaluated 2026-01-02.

Conditions:
Cardiovascular phenotype. Identifiers: MedGen CN230736.
Cardiomyopathy (CMYO). Also called: Cardiomyopathies. Identifiers: Orphanet 167848, MedGen C0878544, MONDO:0004994, HP:0001638. Inheritance: Various modes of inheritance.
Catecholaminergic polymorphic ventricular tachycardia 1. Also called: VENTRICULAR TACHYCARDIA, CATECHOLAMINERGIC POLYMORPHIC, 1, WITH OR WITHOUT ATRIAL DYSFUNCTION AND/OR DILATED CARDIOMYOPATHY; RYR2-Related Catecholaminergic Polymorphic Ventricular Tachycardia; VENTRICULAR TACHYCARDIA, STRESS-INDUCED POLYMORPHIC 1. Identifiers: Orphanet 3286, MedGen C1631597, MONDO:0011484, OMIM 604772.
Catecholaminergic polymorphic ventricular tachycardia (CVPT). Also called: Catecholamine-induced polymorphic ventricular tachycardia. Identifiers: Orphanet 3286, MedGen C5574922, MONDO:0017990.

Allele frequency attached by ClinVar (database versions not stated): gnomAD exomes below 0.00001; TOPMed below 0.00001; gnomAD 0.00001.
gnomAD v4.1: 4 of 1,613,024 alleles (0.00025%); highest among the groups gnomAD compares: Admixed American, 0.0017%; no homozygotes.

Submissions (5):

Ambry Genetics
Classification: Uncertain significance for Cardiovascular phenotype. Last evaluated: 2026-01-02. Review status: criteria provided, single submitter. Criteria: Ambry Variant Classification Scheme 2023. Collection method: clinical testing. Allele origin: germline.
Comment: The p.L637I variant (also known as c.1909C>A), located in coding exon 19 of the RYR2 gene, results from a C to A substitution at nucleotide position 1909. The leucine at codon 637 is replaced by isoleucine, an amino acid with highly similar properties. This amino acid position is conserved. In addition, the in silico prediction for this alteration is inconclusive. Based on the available evidence, the clinical significance of this variant remains unclear.

GeneDx
Classification: Uncertain significance. Last evaluated: 2025-05-23. Review status: criteria provided, single submitter. Criteria: GeneDx Variant Classification Process June 2021. Collection method: clinical testing. Allele origin: germline. Affected: yes.
Comment: Has not been previously published as pathogenic or benign to our knowledge; Not observed at significant frequency in large population cohorts (gnomAD); In silico analysis suggests that this missense variant does not alter protein structure/function; This variant is associated with the following publications: (PMID: 19926015)

Labcorp Genetics (formerly Invitae), Labcorp
Classification: Uncertain significance for Catecholaminergic polymorphic ventricular tachycardia 1. Last evaluated: 2025-02-10. Review status: criteria provided, single submitter. Criteria: Invitae Variant Classification Sherloc (09022015). Collection method: clinical testing. Allele origin: germline.
Comment: This sequence change replaces leucine, which is neutral and non-polar, with isoleucine, which is neutral and non-polar, at codon 637 of the RYR2 protein (p.Leu637Ile). This variant is present in population databases (no rsID available, gnomAD 0.0009%). This variant has not been reported in the literature in individuals affected with RYR2-related conditions. ClinVar contains an entry for this variant (Variation ID: 1171492). Invitae Evidence Modeling of protein sequence and biophysical properties (such as structural, functional, and spatial information, amino acid conservation, physicochemical variation, residue mobility, and thermodynamic stability) indicates that this missense variant is expected to disrupt RYR2 protein function with a positive predictive value of 95%. In summary, the available evidence is currently insufficient to determine the role of this variant in disease. Therefore, it has been classified as a Variant of Uncertain Significance.

All of Us Research Program, National Institutes of Health
Classification: Uncertain significance for Catecholaminergic polymorphic ventricular tachycardia. Last evaluated: 2023-11-30. Review status: criteria provided, single submitter. Criteria: ACMG Guidelines, 2015. Collection method: clinical testing. Allele origin: germline. Inheritance: Autosomal dominant inheritance. Observed: 3 variant alleles, 3 heterozygotes.
Comment: This missense variant replaces leucine with isoleucine at codon 637 of the RYR2 protein. Computational prediction is inconclusive regarding the impact of this variant on protein structure and function (internally defined REVEL score threshold 0.5 < inconclusive < 0.7, PMID: 27666373). To our knowledge, functional studies have not been reported for this variant. This variant has not been reported in individuals affected with cardiovascular disorders in the literature. This variant has been identified in 1/247650 chromosomes in the general population by the Genome Aggregation Database (gnomAD). The available evidence is insufficient to determine the role of this variant in disease conclusively. Therefore, this variant is classified as a Variant of Uncertain Significance.

This study involves interpretation of variants in research participants for the purpose of population health screening. Participant phenotype was not available at the time of variant classification. Additional details can be found in publication PMID: 35346344, PMCID: PMC8962531

Color Diagnostics, LLC DBA Color Health
Classification: Uncertain significance for Cardiomyopathy. Last evaluated: 2022-12-19. Review status: criteria provided, single submitter. Criteria: ACMG Guidelines, 2015. Collection method: clinical testing. Allele origin: germline.
Comment: This missense variant replaces leucine with isoleucine at codon 637 of the RYR2 protein. Computational prediction is inconclusive regarding the impact of this variant on protein structure and function (internally defined REVEL score threshold 0.5 < inconclusive < 0.7, PMID: 27666373). To our knowledge, functional studies have not been reported for this variant. This variant has not been reported in individuals affected with cardiovascular disorders in the literature. This variant has been identified in 1/247650 chromosomes in the general population by the Genome Aggregation Database (gnomAD). The available evidence is insufficient to determine the role of this variant in disease conclusively. Therefore, this variant is classified as a Variant of Uncertain Significance.

NM_001035.3(RYR2):c.1909C>A (p.Leu637Ile)

Gene: RYR2 (ryanodine receptor 2; plus strand). Cytogenetic location: 1q43.
Variant type: single nucleotide variant.
Coding change: c.1909C>A on transcript NM_001035.3 (MANE Select); coding-DNA position 1909, C replaced by A.
Protein change: p.Leu637Ile; replaces leucine 637 with isoleucine.
Molecular consequence: missense variant.
Genome position (GRCh38, 1-based): chr1:237,493,035, C>A. VCF-style: chr1-237493035-C-A. GRCh37 (hg19) VCF-style: chr1-237656335-C-A.
Other names: c.1909C>A (NM_001035.2); short protein forms L637I.
Identifiers: ClinVar variation 1171492 (VCV001171492.12), dbSNP rs1159892117, ClinGen allele CA345389607.
Genomic context (GRCh38, chr1:237,493,035, plus strand): 5'-CTCTGTGTTTGCCACGGGGTTGCAGTCCGTTCTAACCAGCATCTCATCTGTGACAATCTC[C>A]TACCAGGAAGAGACTTGTTATTGCAGACACGTCTTGTGAACCATGTCAGCAGGTAAATTC-3'
Protein context (NP_001026.2, residues 627-647): SNQHLICDNL[Leu637Ile]PGRDLLLQTR